The following is an entry in ClinVar:

ClinVar aggregate classification (germline): Likely benign (0 of 4 stars; one submission).

Conditions:
CTTNBP2-related disorder. Also called: CTTNBP2-related condition.

Allele frequency attached by ClinVar (database versions not stated): ESP Exome Variant Server 0.00015; ExAC 0.00055.
gnomAD v4.1: 815 of 1,613,598 alleles (0.051%); highest among the groups gnomAD compares: Non-Finnish European, 0.036%; 3 homozygotes.

Submission:

PreventionGenetics, part of Exact Sciences
Classification: Likely benign for CTTNBP2-related condition. Last evaluated: 2022-10-06. Review status: no assertion criteria provided. Collection method: clinical testing. Allele origin: germline.
Comment: This variant is classified as likely benign based on ACMG/AMP sequence variant interpretation guidelines (Richards et al. 2015 PMID: 25741868, with internal and published modifications).

NM_033427.3(CTTNBP2):c.3293G>T (p.Ser1098Ile)

Gene: CTTNBP2 (cortactin binding protein 2; minus strand). Cytogenetic location: 7q31.31.
Variant type: single nucleotide variant.
Coding change: c.3293G>T on transcript NM_033427.3 (MANE Select); coding-DNA position 3293, G replaced by T.
Protein change: p.Ser1098Ile; replaces serine 1098 with isoleucine.
Molecular consequence: missense variant.
Genome position (GRCh38, 1-based): chr7:117,756,610, C>A on the plus strand (G>T on the coding strand, the complement: CTTNBP2 is on the minus strand). VCF-style: chr7-117756610-C-A. GRCh37 (hg19) VCF-style: chr7-117396664-C-A.
Other names: c.3239G>T, p.Ser1080Ile (NM_001363349.1); c.1196G>T, p.Ser399Ile (NM_001363350.1, NM_001363351.1); short protein forms S1080I, S1098I, S399I.
Identifiers: ClinVar variation 3048885 (VCV003048885.2), dbSNP rs200975491, ClinGen allele CA4452251.